The following is an entry in ClinVar:

ClinVar aggregate classification (germline): Uncertain significance (1 of 4 stars; one submission).

Allele frequency attached by ClinVar (database versions not stated): gnomAD 0.00004 and 0.00005; gnomAD exomes 0.00004; ExAC 0.00006; ESP Exome Variant Server 0.00008; TOPMed 0.00012.
gnomAD v4.1: 46 of 1,503,806 alleles (0.0031%); highest among the groups gnomAD compares: Middle Eastern, 0.07%; no homozygotes.

Submission:

Labcorp Genetics (formerly Invitae), Labcorp
Classification: Uncertain significance. Last evaluated: 2022-03-19. Review status: criteria provided, single submitter. Criteria: Invitae Variant Classification Sherloc (09022015). Collection method: clinical testing. Allele origin: germline.
Comment: This sequence change falls in intron 8 of the TRAF3IP1 gene. It does not directly change the encoded amino acid sequence of the TRAF3IP1 protein. It affects a nucleotide within the consensus splice site. This variant is present in population databases (rs372154171, gnomAD 0.006%). This variant has not been reported in the literature in individuals affected with TRAF3IP1-related conditions. ClinVar contains an entry for this variant (Variation ID: 1016666). Variants that disrupt the consensus splice site are a relatively common cause of aberrant splicing (PMID: 17576681, 9536098). Algorithms developed to predict the effect of sequence changes on RNA splicing suggest that this variant may disrupt the consensus splice site. In summary, the available evidence is currently insufficient to determine the role of this variant in disease. Therefore, it has been classified as a Variant of Uncertain Significance.

Literature cited by the submitters: PubMed 17576681; PubMed 9536098.

NM_015650.4(TRAF3IP1):c.1159+4A>T

Gene: TRAF3IP1 (TRAF3 interacting protein 1; plus strand). Cytogenetic location: 2q37.3.
Variant type: single nucleotide variant.
Coding change: c.1159+4A>T on transcript NM_015650.4 (MANE Select); 4 bases into the intron after coding-DNA position 1159, A replaced by T.
Molecular consequence: intron variant.
Genome position (GRCh38, 1-based): chr2:238,338,461, A>T. VCF-style: chr2-238338461-A-T. GRCh37 (hg19) VCF-style: chr2-239247102-A-T.
Other names: c.1063+4426A>T (NM_001139490.1).
Identifiers: ClinVar variation 1016666 (VCV001016666.4), dbSNP rs372154171, ClinGen allele CA2198293.
Genomic context (GRCh38, chr2:238,338,461, plus strand): 5'-CCATAGTGTCTGGAATAAATAATGAGCCAAATCAGGAAACGACAACATCAGAAATAGGTA[A>T]GAAAAATATATTCTTTAGTTTAAATTCCTCACCACTTTAATGTGAATGGTTATATCTCAA-3'